The following is an entry in ClinVar:

NM_000492.4(CFTR):c.3691T>C (p.Ser1231Pro)

Genes: CFTR (CF transmembrane conductance regulator; plus strand), CFTR-AS2 (CFTR antisense RNA 2; minus strand). Cytogenetic location: 7q31.2.
Variant type: single nucleotide variant.
Coding change: c.3691T>C on transcript NM_000492.4 (MANE Select); coding-DNA position 3691, T replaced by C.
Protein change: p.Ser1231Pro; replaces serine 1231 with proline.
Molecular consequence: missense variant.
Genome position (GRCh38, 1-based): chr7:117,627,744, T>C. VCF-style: chr7-117627744-T-C. GRCh37 (hg19) VCF-style: chr7-117267798-T-C.
Other names: short protein forms S1231P.
Identifiers: ClinVar variation 1010196 (VCV001010196.8), dbSNP rs1792676456, ClinGen allele CA368997506.

ClinVar aggregate classification (germline): Uncertain significance (1 of 4 stars; one submission).

Conditions:
Cystic fibrosis (CF). Also called: MUCOVISCIDOSIS. Identifiers: Orphanet 586, MedGen C0010674, MONDO:0009061, OMIM 219700. Disease mechanism: loss of function.

Allele frequency attached by ClinVar (database versions not stated): gnomAD exomes below 0.00001.
gnomAD v4.1: 1 of 1,612,642 alleles (0.000062%); highest among the groups gnomAD compares: South Asian, 0.0011%; no homozygotes.

Submission:

Labcorp Genetics (formerly Invitae), Labcorp
Classification: Uncertain significance for Cystic fibrosis. Last evaluated: 2022-10-03. Review status: criteria provided, single submitter. Criteria: Invitae Variant Classification Sherloc (09022015). Collection method: clinical testing. Allele origin: germline.
Comment: In summary, the available evidence is currently insufficient to determine the role of this variant in disease. Therefore, it has been classified as a Variant of Uncertain Significance. Advanced modeling of protein sequence and biophysical properties (such as structural, functional, and spatial information, amino acid conservation, physicochemical variation, residue mobility, and thermodynamic stability) performed at Invitae indicates that this missense variant is expected to disrupt CFTR protein function. ClinVar contains an entry for this variant (Variation ID: 1010196). This variant has not been reported in the literature in individuals affected with CFTR-related conditions. This variant is not present in population databases (gnomAD no frequency). This sequence change replaces serine, which is neutral and polar, with proline, which is neutral and non-polar, at codon 1231 of the CFTR protein (p.Ser1231Pro).